The following is an entry in ClinVar:

ClinVar aggregate classification (germline): Uncertain significance (1 of 4 stars; one submission).

Submission:

Labcorp Genetics (formerly Invitae), Labcorp
Classification: Uncertain significance. Last evaluated: 2025-05-04. Review status: criteria provided, single submitter. Criteria: Invitae Variant Classification Sherloc (09022015). Collection method: clinical testing. Allele origin: germline.
Comment: This sequence change replaces lysine, which is basic and polar, with glutamic acid, which is acidic and polar, at codon 925 of the COL2A1 protein (p.Lys925Glu). This variant is not present in population databases (gnomAD no frequency). This variant has not been reported in the literature in individuals affected with COL2A1-related conditions. Invitae Evidence Modeling of protein sequence and biophysical properties (such as structural, functional, and spatial information, amino acid conservation, physicochemical variation, residue mobility, and thermodynamic stability) indicates that this missense variant is not expected to disrupt COL2A1 protein function with a negative predictive value of 95%. In summary, the available evidence is currently insufficient to determine the role of this variant in disease. Therefore, it has been classified as a Variant of Uncertain Significance.

NM_001844.5(COL2A1):c.2773A>G (p.Lys925Glu)

Gene: COL2A1 (collagen type II alpha 1 chain; minus strand). Cytogenetic location: 12q13.11.
Variant type: single nucleotide variant.
Coding change: c.2773A>G on transcript NM_001844.5 (MANE Select); coding-DNA position 2773, A replaced by G.
Protein change: p.Lys925Glu; replaces lysine 925 with glutamic acid.
Molecular consequence: missense variant.
Genome position (GRCh38, 1-based): chr12:47,978,719, T>C on the plus strand (A>G on the coding strand, the complement: COL2A1 is on the minus strand). VCF-style: chr12-47978719-T-C. GRCh37 (hg19) VCF-style: chr12-48372502-T-C.
Other names: c.2566A>G, p.Lys856Glu (NM_033150.3); short protein forms K856E, K925E.
Identifiers: ClinVar variation 4747057 (VCV004747057.1).
Genomic context (GRCh38, chr12:47,978,719, plus strand): 5'-CGGGTTCACCAGCTCGGCCAGGGGGGCCGCTGTCTCCTCGAGCACCTTTGGGACCATCTT[T>C]TCCAGAAGGACCAGGGGGACCAGGGGGTCCAGGGTTGCCCTAGAAGGAGAAAATGCGGGA-3'
Protein context (NP_001835.3, residues 915-935): GPPGPPGPSG[Lys925Glu]DGPKGARGDS